The following is an entry in ClinVar:

ClinVar aggregate classification (germline): Uncertain significance. Review status: criteria provided, multiple submitters, no conflicts (2 of 4 stars). 2 submissions from 2 submitters: Uncertain significance (2). Last evaluated 2026-01-04.

Conditions:
Tyrosinemia type I (TYRSN1). Also called: FAH DEFICIENCY; Deficiency of fumarylacetoacetase; HEPATORENAL TYROSINEMIA; Tyrosinemia type 1; Fumarylacetoacetase deficiency. Identifiers: Orphanet 882, MedGen C0268490, MONDO:0010161, OMIM 276700. Disease mechanism: loss of function.

Allele frequency attached by ClinVar (database versions not stated): gnomAD exomes below 0.00001 and 0.00001; ExAC 0.00001; gnomAD 0.00001; TOPMed 0.00003.
gnomAD v4.1: 14 of 1,612,246 alleles (0.00087%); highest among the groups gnomAD compares: Middle Eastern, 0.017%; no homozygotes.

Submissions (2):

Labcorp Genetics (formerly Invitae), Labcorp
Classification: Uncertain significance for Tyrosinemia type I. Last evaluated: 2026-01-04. Review status: criteria provided, single submitter. Criteria: Invitae Variant Classification Sherloc (09022015). Collection method: clinical testing. Allele origin: germline.
Comment: This sequence change replaces methionine, which is neutral and non-polar, with threonine, which is neutral and polar, at codon 231 of the FAH protein (p.Met231Thr). This variant is present in population databases (rs772824887, gnomAD 0.002%). This variant has not been reported in the literature in individuals affected with FAH-related conditions. ClinVar contains an entry for this variant (Variation ID: 1031417). Invitae Evidence Modeling of protein sequence and biophysical properties (such as structural, functional, and spatial information, amino acid conservation, physicochemical variation, residue mobility, and thermodynamic stability) indicates that this missense variant is expected to disrupt FAH protein function with a positive predictive value of 80%. In summary, the available evidence is currently insufficient to determine the role of this variant in disease. Therefore, it has been classified as a Variant of Uncertain Significance.

Baylor Genetics
Classification: Uncertain significance for Tyrosinemia type I. Last evaluated: 2018-11-16. Review status: criteria provided, single submitter. Criteria: ACMG Guidelines, 2015. Collection method: clinical testing. Allele origin: paternal. Affected: yes.
Comment: This variant was determined to be of uncertain significance according to ACMG Guidelines, 2015 [PMID:25741868].

NM_000137.4(FAH):c.692T>C (p.Met231Thr)

Gene: FAH (fumarylacetoacetate hydrolase; plus strand). Cytogenetic location: 15q25.1.
Variant type: single nucleotide variant.
Coding change: c.692T>C on transcript NM_000137.4 (MANE Select); coding-DNA position 692, T replaced by C.
Protein change: p.Met231Thr; replaces methionine 231 with threonine.
Molecular consequence: missense variant.
Genome position (GRCh38, 1-based): chr15:80,172,234, T>C. VCF-style: chr15-80172234-T-C. GRCh37 (hg19) VCF-style: chr15-80464576-T-C.
Other names: c.692T>C, p.Met231Thr (NM_001374377.1, NM_001374380.1); short protein forms M231T.
Identifiers: ClinVar variation 1031417 (VCV001031417.3), dbSNP rs772824887, ClinGen allele CA7691301.